The following is an entry in ClinVar:

ClinVar aggregate classification (germline): Pathogenic (1 of 4 stars; one submission).

Submission:

Labcorp Genetics (formerly Invitae), Labcorp
Classification: Pathogenic. Last evaluated: 2020-12-02. Review status: criteria provided, single submitter. Criteria: Invitae Variant Classification Sherloc (09022015). Collection method: clinical testing. Allele origin: germline.
Comment: This sequence change creates a premature translational stop signal (p.Glu167Argfs*26) in the PAX3 gene. It is expected to result in an absent or disrupted protein product. Loss-of-function variants in PAX3 are known to be pathogenic (PMID: 20127975, 23512835). Algorithms developed to predict the effect of sequence changes on RNA splicing suggest that this variant may create or strengthen a splice site, but this prediction has not been confirmed by published transcriptional studies. For these reasons, this variant has been classified as Pathogenic. This variant has not been reported in the literature in individuals with PAX3-related conditions. This variant is not present in population databases (ExAC no frequency).

Literature cited by the submitters: PubMed 20127975; PubMed 23512835.

NM_181458.4(PAX3):c.498del (p.Glu167fs)

Gene: PAX3 (paired box 3; minus strand). Cytogenetic location: 2q36.1.
Variant type: Deletion.
Coding change: c.498del on transcript NM_181458.4 (MANE Select); coding-DNA position 498, one base deleted (A; older notation c.498delA).
Protein change: p.Glu167fs; shifts the reading frame from glutamic acid 167.
Molecular consequence: frameshift variant.
Genome position (GRCh38, 1-based): chr2:222,294,255, T deleted on the plus strand (A on the coding strand, the reverse complement: PAX3 is on the minus strand); the first of 2 consecutive T bases (chr2:222,294,255-222,294,256); deleting either gives the same sequence. VCF-style (leftmost placement, unchanged base first): chr2-222294254-CT-C. GRCh37 (hg19) VCF-style: chr2-223158973-CT-C.
Other names: c.498del, p.Glu167fs (NM_000438.6, NM_013942.5, NM_181457.4 and 3 more transcripts); c.495del, p.Glu166fs (NM_001127366.3); short protein forms E166fs, E167fs.
Identifiers: ClinVar variation 1451791 (VCV001451791.6), dbSNP rs2106196907, ClinGen allele CA2573135306.